The following is an entry in ClinVar:

ClinVar aggregate classification (germline): Benign. Review status: criteria provided, multiple submitters, no conflicts (2 of 4 stars). 3 submissions from 3 submitters: Benign (3). Last evaluated 2024-01-24.

Allele frequency attached by ClinVar (database versions not stated): ESP Exome Variant Server 0.29344; gnomAD 0.29942 and 0.30059; 1000 Genomes Project 0.30791; 1000 Genomes Project 30x 0.31215; ExAC 0.31276; TOPMed 0.31387; gnomAD exomes 0.31984.
gnomAD v4.1: 480,913 of 1,598,522 alleles (30%); highest among the groups gnomAD compares: Admixed American, 50%; 74,320 homozygotes.

Submissions (3):

Unidad de Genómica Garrahan, Hospital de Pediatría Garrahan
Classification: Benign. Last evaluated: 2024-01-24. Review status: criteria provided, single submitter. Criteria: ACMG Guidelines, 2015. Collection method: clinical testing. Allele origin: germline. Affected: no. Observed: 62 variant alleles.
Comment: This variant is classified as Benign based on local population frequency. This variant was detected in 65% of patients studied by a panel of primary immunodeficiencies. Number of patients: 62. Only high quality variants are reported.

GeneDx
Classification: Benign. Last evaluated: 2018-11-12. Review status: criteria provided, single submitter. Criteria: GeneDx Variant Classification Process June 2021. Collection method: clinical testing. Allele origin: germline. Affected: yes.

Breakthrough Genomics
Classification: Benign. Review status: criteria provided, single submitter. Criteria: ACMG Guidelines, 2015. Collection method: not provided. Allele origin: germline. Inheritance: Autosomal recessive inheritance. Affected: yes.

NM_025099.6(CTC1):c.1077+37A>G

Gene: CTC1 (CST telomere replication complex component 1; minus strand). Cytogenetic location: 17p13.1.
Variant type: single nucleotide variant.
Coding change: c.1077+37A>G on transcript NM_025099.6 (MANE Select); 37 bases into the intron after coding-DNA position 1077, A replaced by G.
Molecular consequence: intron variant.
Genome position (GRCh38, 1-based): chr17:8,236,021, T>C on the plus strand (A>G on the coding strand, the complement: CTC1 is on the minus strand). VCF-style: chr17-8236021-T-C. GRCh37 (hg19) VCF-style: chr17-8139339-T-C.
Identifiers: ClinVar variation 1231320 (VCV001231320.6), dbSNP rs66582670, ClinGen allele CA8372479.